The following is an entry in ClinVar:

ClinVar aggregate classification (germline): Uncertain significance (1 of 4 stars; one submission).

Allele frequency attached by ClinVar (database versions not stated): ExAC 0.00001; gnomAD exomes 0.00002; TOPMed 0.00003; gnomAD 0.00004.
gnomAD v4.1: 32 of 1,613,640 alleles (0.002%); highest among the groups gnomAD compares: Middle Eastern, 0.016%; no homozygotes.

Submission:

Labcorp Genetics (formerly Invitae), Labcorp
Classification: Uncertain significance. Last evaluated: 2024-11-05. Review status: criteria provided, single submitter. Criteria: Invitae Variant Classification Sherloc (09022015). Collection method: clinical testing. Allele origin: germline.
Comment: This sequence change replaces aspartic acid, which is acidic and polar, with asparagine, which is neutral and polar, at codon 781 of the MICAL1 protein (p.Asp781Asn). This variant is present in population databases (rs199854479, gnomAD 0.003%). This variant has not been reported in the literature in individuals affected with MICAL1-related conditions. ClinVar contains an entry for this variant (Variation ID: 2716769). An algorithm developed to predict the effect of missense changes on protein structure and function outputs the following: PolyPhen-2: "Benign". The asparagine amino acid residue is found in multiple mammalian species, which suggests that this missense change does not adversely affect protein function. In summary, the available evidence is currently insufficient to determine the role of this variant in disease. Therefore, it has been classified as a Variant of Uncertain Significance.

NM_022765.4(MICAL1):c.2284G>A (p.Asp762Asn)

Gene: MICAL1 (microtubule associated monooxygenase, calponin and LIM domain containing 1; minus strand). Cytogenetic location: 6q21.
Variant type: single nucleotide variant.
Coding change: c.2284G>A on transcript NM_022765.4 (MANE Select); coding-DNA position 2284, G replaced by A.
Protein change: p.Asp762Asn; replaces aspartic acid 762 with asparagine.
Molecular consequence: missense variant.
Genome position (GRCh38, 1-based): chr6:109,446,716, C>T on the plus strand (G>A on the coding strand, the complement: MICAL1 is on the minus strand). VCF-style: chr6-109446716-C-T. GRCh37 (hg19) VCF-style: chr6-109767919-C-T.
Other names: c.2026G>A, p.Asp676Asn (NM_001159291.2); c.2341G>A, p.Asp781Asn (NM_001286613.2); short protein forms D676N, D762N, D781N.
Identifiers: ClinVar variation 2716769 (VCV002716769.3), dbSNP rs199854479, ClinGen allele CA3952988.